The following is an entry in ClinVar:

NM_002156.5(HSPD1):c.776C>G (p.Pro259Arg)

Gene: HSPD1 (heat shock protein family D (Hsp60) member 1; minus strand). Cytogenetic location: 2q33.1.
Variant type: single nucleotide variant.
Coding change: c.776C>G on transcript NM_002156.5 (MANE Select); coding-DNA position 776, C replaced by G.
Protein change: p.Pro259Arg; replaces proline 259 with arginine.
Molecular consequence: missense variant.
Genome position (GRCh38, 1-based): chr2:197,493,417, G>C on the plus strand (C>G on the coding strand, the complement: HSPD1 is on the minus strand). VCF-style: chr2-197493417-G-C. GRCh37 (hg19) VCF-style: chr2-198358141-G-C.
Other names: c.776C>G, p.Pro259Arg (NM_199440.2); short protein forms P259R.
Identifiers: ClinVar variation 3642294 (VCV003642294.2).

ClinVar aggregate classification (germline): Uncertain significance (1 of 4 stars; one submission).

Conditions:
Spastic paraplegia. Identifiers: MedGen C0037772, HP:0001258.

gnomAD v4.1: 1 of 1,613,028 alleles (0.000062%); highest among the groups gnomAD compares: Non-Finnish European, 0.000085%; no homozygotes.

Submission:

Labcorp Genetics (formerly Invitae), Labcorp
Classification: Uncertain significance for Spastic paraplegia. Last evaluated: 2024-02-20. Review status: criteria provided, single submitter. Criteria: Invitae Variant Classification Sherloc (09022015). Collection method: clinical testing. Allele origin: germline.
Comment: This sequence change replaces proline, which is neutral and non-polar, with arginine, which is basic and polar, at codon 259 of the HSPD1 protein (p.Pro259Arg). This variant is not present in population databases (gnomAD no frequency). This variant has not been reported in the literature in individuals affected with HSPD1-related conditions. Advanced modeling of protein sequence and biophysical properties (such as structural, functional, and spatial information, amino acid conservation, physicochemical variation, residue mobility, and thermodynamic stability) performed at Invitae indicates that this missense variant is not expected to disrupt HSPD1 protein function with a negative predictive value of 80%. In summary, the available evidence is currently insufficient to determine the role of this variant in disease. Therefore, it has been classified as a Variant of Uncertain Significance.